The following is an entry in ClinVar:

ClinVar aggregate classification (germline): Uncertain significance (1 of 4 stars; one submission).

Submission:

Labcorp Genetics (formerly Invitae), Labcorp
Classification: Uncertain significance. Last evaluated: 2022-09-27. Review status: criteria provided, single submitter. Criteria: Invitae Variant Classification Sherloc (09022015). Collection method: clinical testing. Allele origin: germline.
Comment: In summary, the available evidence is currently insufficient to determine the role of this variant in disease. Therefore, it has been classified as a Variant of Uncertain Significance. Algorithms developed to predict the effect of missense changes on protein structure and function are either unavailable or do not agree on the potential impact of this missense change (SIFT: "Deleterious"; PolyPhen-2: "Probably Damaging"; Align-GVGD: "Class C0"). ClinVar contains an entry for this variant (Variation ID: 1504883). This variant has not been reported in the literature in individuals affected with CACNA1F-related conditions. This variant is not present in population databases (gnomAD no frequency). This sequence change replaces alanine, which is neutral and non-polar, with threonine, which is neutral and polar, at codon 71 of the CACNA1F protein (p.Ala71Thr).

NM_001256789.3(CACNA1F):c.211G>A (p.Ala71Thr)

Gene: CACNA1F (calcium voltage-gated channel subunit alpha1 F; minus strand). Cytogenetic location: Xp11.23.
Variant type: single nucleotide variant.
Coding change: c.211G>A on transcript NM_001256789.3 (MANE Select); coding-DNA position 211, G replaced by A.
Protein change: p.Ala71Thr; replaces alanine 71 with threonine.
Molecular consequence: missense variant. On other transcripts: intron variant (1).
Genome position (GRCh38, 1-based): chrX:49,231,742, C>T on the plus strand (G>A on the coding strand, the complement: CACNA1F is on the minus strand). VCF-style: chrX-49231742-C-T. GRCh37 (hg19) VCF-style: chrX-49088204-C-T.
Other names: c.211G>A, p.Ala71Thr (NM_005183.4); c.66-50G>A (NM_001256790.3); short protein forms A71T.
Identifiers: ClinVar variation 1504883 (VCV001504883.8), dbSNP rs2147926283, ClinGen allele CA412927440.